The following is an entry in ClinVar:

NM_001130009.3(GEN1):c.990G>A (p.Glu330=)

Gene: GEN1 (GEN1 structure-specific endonuclease; plus strand). Cytogenetic location: 2p24.2.
Variant type: single nucleotide variant.
Coding change: c.990G>A on transcript NM_001130009.3 (MANE Select); coding-DNA position 990, G replaced by A.
Protein change: p.Glu330=; no amino-acid change (glutamic acid 330 retained).
Molecular consequence: synonymous variant.
Genome position (GRCh38, 1-based): chr2:17,773,132, G>A. VCF-style: chr2-17773132-G-A. GRCh37 (hg19) VCF-style: chr2-17954399-G-A.
Other names: c.990G>A, p.Glu330= (NM_182625.5).
Identifiers: ClinVar variation 2886729 (VCV002886729.3), dbSNP rs769299101, ClinGen allele CA425096803.

ClinVar aggregate classification (germline): Uncertain significance (1 of 4 stars; one submission).

gnomAD v4.1: 7 of 1,580,770 alleles (0.00044%); highest among the groups gnomAD compares: Non-Finnish European, 0.00061%; no homozygotes.

Submission:

Labcorp Genetics (formerly Invitae), Labcorp
Classification: Uncertain significance. Last evaluated: 2025-07-10. Review status: criteria provided, single submitter. Criteria: Invitae Variant Classification Sherloc (09022015). Collection method: clinical testing. Allele origin: germline.
Comment: This sequence change affects codon 330 of the GEN1 mRNA. It is a 'silent' change, meaning that it does not change the encoded amino acid sequence of the GEN1 protein. This variant also falls at the last nucleotide of exon 9, which is part of the consensus splice site for this exon. This variant is not present in population databases (gnomAD no frequency). This variant has not been reported in the literature in individuals affected with GEN1-related conditions. ClinVar contains an entry for this variant (Variation ID: 2886729). Variants that disrupt the consensus splice site are a relatively common cause of aberrant splicing (PMID: 17576681, 9536098). Algorithms developed to predict the effect of sequence changes on RNA splicing suggest that this variant may disrupt the consensus splice site. In summary, the available evidence is currently insufficient to determine the role of this variant in disease. Therefore, it has been classified as a Variant of Uncertain Significance.

Literature cited by the submitters: PubMed 17576681; PubMed 9536098.